The following is an entry in ClinVar:

NM_000051.4(ATM):c.3174G>A (p.Trp1058Ter)

Gene: ATM (ATM serine/threonine kinase; plus strand). Cytogenetic location: 11q22.3.
Variant type: single nucleotide variant.
Coding change: c.3174G>A on transcript NM_000051.4 (MANE Select); coding-DNA position 3174, G replaced by A.
Protein change: p.Trp1058Ter; replaces tryptophan 1058 with a stop codon.
Molecular consequence: nonsense.
Genome position (GRCh38, 1-based): chr11:108,272,742, G>A. VCF-style: chr11-108272742-G-A. GRCh37 (hg19) VCF-style: chr11-108143469-G-A.
Other names: c.3174G>A, p.Trp1058Ter (NM_001351834.2); short protein forms W1058*.
Identifiers: ClinVar variation 1459473 (VCV001459473.6), dbSNP rs1064796080, ClinGen allele CA382515593.

ClinVar aggregate classification (germline): Pathogenic (1 of 4 stars; one submission).

Conditions:
Ataxia-telangiectasia syndrome (AT). Also called: Ataxia-telangiectasia, complementation group E; LOUIS-BAR SYNDROME; Ataxia-telangiectasia, complementation group D; AT, COMPLEMENTATION GROUP C; Ataxia-telangiectasia; Cerebello-oculocutaneous telangiectasia. Identifiers: Orphanet 100, MedGen C0004135, MONDO:0008840, OMIM 208900.

Submission:

Labcorp Genetics (formerly Invitae), Labcorp
Classification: Pathogenic for Ataxia-telangiectasia syndrome. Last evaluated: 2025-08-07. Review status: criteria provided, single submitter. Criteria: Invitae Variant Classification Sherloc (09022015). Collection method: clinical testing. Allele origin: germline.
Comment: This sequence change creates a premature translational stop signal (p.Trp1058*) in the ATM gene. It is expected to result in an absent or disrupted protein product. Loss-of-function variants in ATM are known to be pathogenic (PMID: 23807571, 25614872). This variant is not present in population databases (gnomAD no frequency). This premature translational stop signal has been observed in individual(s) with ataxia-telangiectasia (PMID: 23807571). ClinVar contains an entry for this variant (Variation ID: 1459473). For these reasons, this variant has been classified as Pathogenic.

Literature cited by the submitters: PubMed 23807571; PubMed 25614872.